The following is an entry in ClinVar:

NM_000179.3(MSH6):c.2125dup (p.Tyr709fs)

Gene: MSH6 (mutS homolog 6; plus strand). Cytogenetic location: 2p16.3.
Variant type: Duplication.
Coding change: c.2125dup on transcript NM_000179.3 (MANE Select); coding-DNA position 2125, one base duplicated (T; older notation c.2125dupT).
Protein change: p.Tyr709fs; shifts the reading frame from tyrosine 709.
Molecular consequence: frameshift variant.
Genome position (GRCh38, 1-based): chr2:47,800,108, T duplicated. VCF-style (leftmost placement, unchanged base first): chr2-47800107-A-AT. GRCh37 (hg19) VCF-style: chr2-48027246-A-AT.
Other names: c.1735dup, p.Tyr579fs (NM_001281492.2); c.1219dup, p.Tyr407fs (NM_001281493.2, NM_001281494.2); c.2125dupT (NM_000179.2); short protein forms Y407fs, Y709fs, Y579fs.
Identifiers: ClinVar variation 141311 (VCV000141311.4), dbSNP rs587781650, ClinGen allele CA165079.

ClinVar aggregate classification (germline): Pathogenic. Review status: criteria provided, multiple submitters, no conflicts (2 of 4 stars). 2 submissions from 2 submitters: Pathogenic (2). Last evaluated 2023-08-16.

Conditions:
Hereditary cancer-predisposing syndrome. Also called: Neoplastic Syndromes, Hereditary; Tumor predisposition; Hereditary Cancer Syndrome; Hereditary neoplastic syndrome. Identifiers: Orphanet 140162, MedGen C0027672, MeSH D009386, MONDO:0015356.
Lynch syndrome 5 (LYNCH5). Also called: Colorectal cancer, hereditary nonpolyposis, type 5; Hereditary non-polyposis colorectal cancer, type 5. Identifiers: Orphanet 144, MedGen C1833477, MONDO:0013710, OMIM 614350. Disease mechanism: loss of function.

Submissions (2):

Myriad Genetics, Inc.
Classification: Pathogenic for Lynch syndrome 5. Last evaluated: 2023-08-16. Review status: criteria provided, single submitter. Criteria: Myriad Autosomal Dominant, Autosomal Recessive and X-Linked Classification Criteria (2023). Collection method: clinical testing. Allele origin: unknown.
Comment: This variant is considered pathogenic. This variant creates a frameshift predicted to result in premature protein truncation.

Ambry Genetics
Classification: Pathogenic for Hereditary cancer-predisposing syndrome. Last evaluated: 2014-03-13. Review status: criteria provided, single submitter. Criteria: Ambry Autosomal Dominant and X-Linked criteria (10/2015). Collection method: clinical testing. Allele origin: germline. Observed: 1 variant allele.
Comment: Ã¢â‚¬â€¹The c.2125dupT pathogenic mutation, located in coding exon 4 of the MSH6 gene, results from a duplication of T at position 2125, causing a translational frameshift with a predicted alternate stop codon. Since frameshifts are typically deleterious in nature, this alteration is interpreted as a disease-causing mutation (ACMG Recommendations for Standards for Interpretation and Reporting of Sequence Variations. Revision 2007. Genet Med. 2008;10:294).